The following is an entry in ClinVar:

ClinVar aggregate classification (germline): Uncertain significance (1 of 4 stars; one submission).

gnomAD v4.1: 20 of 1,596,420 alleles (0.0013%); highest among the groups gnomAD compares: African/African-American, 0.0027%; no homozygotes.

Submission:

GeneDx
Classification: Uncertain significance. Last evaluated: 2023-11-16. Review status: criteria provided, single submitter. Criteria: GeneDx Variant Classification Process June 2021. Collection method: clinical testing. Allele origin: germline. Affected: yes.
Comment: In silico analysis supports that this missense variant has a deleterious effect on protein structure/function; Has not been previously published as pathogenic or benign to our knowledge

NM_020314.7(VPS35L):c.1459A>C (p.Asn487His)

Gene: VPS35L (VPS35 endosomal protein sorting factor like; plus strand). Cytogenetic location: 16p12.3.
Variant type: single nucleotide variant.
Coding change: c.1459A>C on transcript NM_020314.7 (MANE Select); coding-DNA position 1459, A replaced by C.
Protein change: p.Asn487His; replaces asparagine 487 with histidine.
Molecular consequence: missense variant. On other transcripts: non-coding transcript variant (2).
Genome position (GRCh38, 1-based): chr16:19,628,712, A>C. VCF-style: chr16-19628712-A-C. GRCh37 (hg19) VCF-style: chr16-19640034-A-C.
Other names: c.1258A>C, p.Asn420His (NM_001300743.3, NM_001365294.2); c.1459A>C, p.Asn487His (NM_001365293.2); c.571A>C, p.Asn191His (NM_001365295.2); short protein forms N191H, N420H, N487H.
Identifiers: ClinVar variation 3364326 (VCV003364326.1).